The following is an entry in ClinVar:

NM_001723.7(DST):c.4671G>C (p.Arg1557Ser)

Gene: DST (dystonin; minus strand). Cytogenetic location: 6p12.1.
Variant type: single nucleotide variant.
Coding change: c.4671G>C on transcript NM_001723.7 (MANE Plus Clinical); coding-DNA position 4671, G replaced by C.
Protein change: p.Arg1557Ser; replaces arginine 1557 with serine.
Molecular consequence: missense variant. On other transcripts: intron variant (10).
Genome position (GRCh38, 1-based): chr6:56,619,363, C>G on the plus strand (G>C on the coding strand, the complement: DST is on the minus strand). VCF-style: chr6-56619363-C-G. GRCh37 (hg19) VCF-style: chr6-56484161-C-G.
Other names: c.4831-4879G>C (NM_001144769.5); c.4930-4879G>C (NM_001374722.1, NM_001374736.1); c.4957-4879G>C (NM_001374734.1); c.4417-4879G>C (NM_001144770.2); c.4297-4879G>C (NM_001374730.1, NM_001386100.1, NM_183380.4 and 1 more transcripts); c.3319-4879G>C (NM_015548.5); short protein forms R1557S.
Identifiers: ClinVar variation 577809 (VCV000577809.8), dbSNP rs760185197, ClinGen allele CA3870492.

ClinVar aggregate classification (germline): Uncertain significance (1 of 4 stars; one submission).

Conditions:
Hereditary sensory and autonomic neuropathy type 6. Also called: Neuropathy, hereditary sensory and autonomic, type VI; HSAN VI. Identifiers: Orphanet 314381, MedGen C3539003, MONDO:0013839, OMIM 614653.
Epidermolysis bullosa simplex 3, localized or generalized intermediate, with BP230 deficiency (EBS3). Also called: Epidermolysis bullosa simplex, autosomal recessive 2; Epidermolysis bullosa simplex due to BP230 deficiency. Identifiers: Orphanet 412181, MedGen C3809470, MONDO:0014180, OMIM 615425.

Allele frequency attached by ClinVar (database versions not stated): gnomAD 0.00001; TOPMed 0.00001; ExAC 0.00002.
gnomAD v4.1: 5 of 1,613,502 alleles (0.00031%); highest among the groups gnomAD compares: Admixed American, 0.0067%; no homozygotes.

Submission:

Labcorp Genetics (formerly Invitae), Labcorp
Classification: Uncertain significance for Epidermolysis bullosa simplex 3, localized or generalized intermediate, with BP230 deficiency; Hereditary sensory and autonomic neuropathy type 6. Last evaluated: 2021-08-15. Review status: criteria provided, single submitter. Criteria: Invitae Variant Classification Sherloc (09022015). Collection method: clinical testing. Allele origin: germline.
Comment: This sequence change replaces arginine with serine at codon 1557 of the DST protein (p.Arg1557Ser). The arginine residue is weakly conserved and there is a moderate physicochemical difference between arginine and serine. In summary, the available evidence is currently insufficient to determine the role of this variant in disease. Therefore, it has been classified as a Variant of Uncertain Significance. Algorithms developed to predict the effect of missense changes on protein structure and function do not agree on the potential impact of this missense change (SIFT: "Deleterious"; PolyPhen-2: "Benign"; Align-GVGD: "Class C15"). This variant has not been reported in the literature in individuals with DST-related disease. This variant is present in population databases (rs760185197, ExAC 0.03%).